The following is an entry in ClinVar:

NM_002485.5(NBN):c.832T>G (p.Ser278Ala)

Gene: NBN (nibrin; minus strand). Cytogenetic location: 8q21.3.
Variant type: single nucleotide variant.
Coding change: c.832T>G on transcript NM_002485.5 (MANE Select); coding-DNA position 832, T replaced by G.
Protein change: p.Ser278Ala; replaces serine 278 with alanine.
Molecular consequence: missense variant.
Genome position (GRCh38, 1-based): chr8:89,970,428, A>C on the plus strand (T>G on the coding strand, the complement: NBN is on the minus strand). VCF-style: chr8-89970428-A-C. GRCh37 (hg19) VCF-style: chr8-90982656-A-C.
Other names: c.586T>G, p.Ser196Ala (NM_001024688.3); short protein forms S278A, S196A.
Identifiers: ClinVar variation 496166 (VCV000496166.25), dbSNP rs1225178489, ClinGen allele CA371658496.

ClinVar aggregate classification (germline): Conflicting classifications of pathogenicity. Review status: criteria provided, conflicting classifications (1 of 4 stars). 7 submissions from 7 submitters: Uncertain significance (4); Likely benign (1). 2 of the submissions do not count toward it. Last evaluated 2025-10-25.

Conditions:
Hereditary cancer. Identifiers: MedGen C1333600.
Hereditary cancer-predisposing syndrome. Also called: Tumor predisposition; Hereditary neoplastic syndrome; Neoplastic Syndromes, Hereditary; Hereditary Cancer Syndrome. Identifiers: Orphanet 140162, MedGen C0027672, MeSH D009386, MONDO:0015356.
Microcephaly, normal intelligence and immunodeficiency (NBS). Also called: Nijmegen breakage syndrome; Microcephaly with normal intelligence immunodeficiency and lymphoreticular malignancies; Nonsyndromal microcephaly autosomal recessive with normal intelligence; Seemanova syndrome 2; Ataxia telangiectasia variant V1; SEEMANOVA SYNDROME II. Identifiers: Orphanet 647, MedGen C0398791, MONDO:0009623, OMIM 251260.
Malignant tumor of breast. Also called: Malignant breast neoplasm; Cancer breast. Identifiers: MedGen C0006142, MONDO:0007254. Disease mechanism: loss of function.

Allele frequency attached by ClinVar (database versions not stated): TOPMed 0.00002; gnomAD exomes below 0.00001.
gnomAD v4.1: 4 of 1,614,036 alleles (0.00025%); highest among the groups gnomAD compares: Admixed American, 0.005%; no homozygotes.

Submissions (7):

Labcorp Genetics (formerly Invitae), Labcorp
Classification: Uncertain significance for Microcephaly, normal intelligence and immunodeficiency. Last evaluated: 2025-10-25. Review status: criteria provided, single submitter. Criteria: Invitae Variant Classification Sherloc (09022015). Collection method: clinical testing. Allele origin: germline.
Comment: This sequence change replaces serine, which is neutral and polar, with alanine, which is neutral and non-polar, at codon 278 of the NBN protein (p.Ser278Ala). This variant is present in population databases (no rsID available, gnomAD no frequency). This variant has not been reported in the literature in individuals affected with NBN-related conditions. ClinVar contains an entry for this variant (Variation ID: 496166). An algorithm developed to predict the effect of missense changes on protein structure and function (PolyPhen-2) suggests that this variant is likely to be tolerated. Experimental studies are conflicting or provide insufficient evidence to determine the effect of this variant on NBN function (PMID: 10839544, 21664921). In summary, the available evidence is currently insufficient to determine the role of this variant in disease. Therefore, it has been classified as a Variant of Uncertain Significance.

Ambry Genetics
Classification: Uncertain significance for Hereditary cancer-predisposing syndrome. Last evaluated: 2024-01-31. Review status: criteria provided, single submitter. Criteria: Ambry Variant Classification Scheme 2023. Collection method: clinical testing. Allele origin: germline.
Comment: The p.S278A variant (also known as c.832T>G), located in coding exon 7 of the NBN gene, results from a T to G substitution at nucleotide position 832. The serine at codon 278 is replaced by alanine, an amino acid with similar properties. This residue is phosphorylated by ATM in response to DNA damage, and has been demonstrated to be involved in S phase activation (Zhao S et al. Nature 2000 May; 405(6785):473-7). S278A mutants are unable to hyperphosphorylate RPA following hydroxyurea treatment, indicating its role in ATR signaling (Manthey KC et al. J. Cell. Sci. 2007 Dec;120(Pt 23):4221-9). Using a knock-in model, the mouse equivalent of S278A did not effect mouse development, but was found to play a role in regulating the activation of Chk2 and Smc1 in response to intermediate and high doses of ionizing radiation (Li and Wang. Mech. Ageing Dev. 2011 Aug;132(8-9):382-8). This amino acid position is not well conserved in available vertebrate species. In addition, this alteration is predicted to be tolerated by in silico analysis. Based on the available evidence, the clinical significance of this alteration remains unclear.

Mendelics
Classification: Likely benign for Hereditary cancer. Last evaluated: 2024-01-23. Review status: criteria provided, single submitter. Criteria: ACMG Guidelines, 2015. Collection method: clinical testing. Allele origin: unknown.

Genome-Nilou Lab
Classification: Uncertain significance for Microcephaly, normal intelligence and immunodeficiency. Last evaluated: 2021-11-07. Review status: criteria provided, single submitter. Criteria: ACMG Guidelines, 2015. Collection method: clinical testing. Allele origin: germline. Affected: no.

Women's Health and Genetics/Laboratory Corporation of America, LabCorp
Classification: Uncertain significance. Last evaluated: 2016-01-25. Review status: criteria provided, single submitter. Criteria: LabCorp Variant Classification Summary - May 2015. Collection method: clinical testing. Allele origin: germline.
Comment: Variant summary: The c.832T>G in NBN gene is a missense variant that involves a non-conserved nucleotide and 3/5 in silico tools predict benign outcome. The variant is absent from the broad control population datasets from ExAC, suggesting this variant is not a common polymorphism. Ser278 is a direct substrate for ATM kinase, however, the effect of phosphorylation or lack thereof in the functional studies performed in vitro and in vivo showed contradicting results, perhaps, due to limitations of the technical approaches. It is possible, that the variant of interest is a mild mutation and may play role in radiation dose dependency. However further investigation is needed to support this proposition. The variant of interest has not been reported by reputable databases/clinical laboratories. Taken together, the variant was classified as Variant of Uncertain until more information becomes available.

Natera, Inc.
Classification: Uncertain significance for Nijmegen breakage syndrome. Last evaluated: 2021-05-02. Review status: no assertion criteria provided. Collection method: clinical testing. Allele origin: germline. Not counted in ClinVar's aggregate classification.

Department of Pathology and Laboratory Medicine, Sinai Health System
Classification: Uncertain significance for Malignant tumor of breast. Review status: no assertion criteria provided. Collection method: clinical testing. Allele origin: unknown. Affected: yes. Study: The Canadian Open Genetics Repository (COGR). Not counted in ClinVar's aggregate classification.
Comment: The NBN p.Ser278Ala variant was identified in ClinVar (classified as uncertain significance by Invitae and Integrated Genetics/Laboratory Corporation of America). The variant was not identified in dbSNP, or LOVD 3.0. The variant was identified in control databases in 1 of 246118 chromosomes at a frequency of 0.000004 (Genome Aggregation Database Feb 27, 2017). The variant was observed in the â€šÃ„ÃºOtherâ€šÃ„Ã¹ population in 1 of 5480 chromosomes (freq: 0.0002); it was not observed in the African, Latino, European, Ashkenazi Jewish, East Asian, Finnish, or South Asian populations. The p.Ser278Ala variant was identified in experimental functional studies, where human lymphoblasts expressing the variant show a completely normal CHEK2 phosphorylation and exhibit normal CHEK2 activation after DNA damage (Lee 2003, Zhao 2000). Variant at this loci does not affect development, but compromises the CHEK2 and SMC1 phosphorylation after DNA damage in mice (Li 2011). The p.Ser278 residue is not conserved in mammals and computational analyses (PolyPhen-2, SIFT, AlignGVGD, BLOSUM, MutationTaster) provide inconsistent predictions regarding the impact to the protein; this information is not very predictive of pathogenicity. The variant occurs outside of the splicing consensus sequence and in silico or computational prediction software programs (SpliceSiteFinder, MaxEntScan, NNSPLICE, GeneSplicer) do not predict a difference in splicing. In summary, based on the above information the clinical significance of this variant cannot be determined with certainty at this time. This variant is classified as a variant of uncertain significance.

Literature cited by the submitters: PubMed 10839544 (cited by 3 submitters); PubMed 21664921 (cited by 3 submitters); PubMed 14707289 (cited by Ambry Genetics); PubMed 18003706 (cited by Ambry Genetics); PubMed 26512707 (cited by Ambry Genetics and Women's Health and Genetics/Laboratory Corporation of America, LabCorp); PubMed 12861053 (cited by Women's Health and Genetics/Laboratory Corporation of America, LabCorp).